The following is an entry in ClinVar:

NM_001267550.2(TTN):c.98031T>G (p.Ala32677=)

Genes: TTN (titin; minus strand), TTN-AS1 (TTN antisense RNA 1; plus strand). Cytogenetic location: 2q31.2.
Variant type: single nucleotide variant.
Coding change: c.98031T>G on transcript NM_001267550.2 (MANE Select); coding-DNA position 98031, T replaced by G.
Protein change: p.Ala32677=; no amino-acid change (alanine 32677 retained).
Molecular consequence: synonymous variant. On other transcripts: non-coding transcript variant (1).
Genome position (GRCh38, 1-based): chr2:178,540,135, A>C on the plus strand (T>G on the coding strand, the complement: TTN is on the minus strand). VCF-style: chr2-178540135-A-C. GRCh37 (hg19) VCF-style: chr2-179404862-A-C.
Other names: c.93108T>G, p.Ala31036= (NM_001256850.1); c.70836T>G, p.Ala23612= (NM_003319.4); c.90327T>G, p.Ala30109= (NM_133378.4); c.71211T>G, p.Ala23737= (NM_133432.3); c.71412T>G, p.Ala23804= (NM_133437.4).
Identifiers: ClinVar variation 4085383 (VCV004085383.8).

ClinVar aggregate classification (germline): Likely benign (1 of 4 stars; one submission).

Submission:

CeGaT Center for Human Genetics Tuebingen
Classification: Likely benign. Last evaluated: 2025-07-01. Review status: criteria provided, single submitter. Criteria: CeGaT Center For Human Genetics Tuebingen Variant Classification Criteria Version 2. Collection method: clinical testing. Allele origin: germline. Affected: yes. Observed: 1 variant allele.
Comment: TTN: PM2:Supporting, BP4, BP7